The following is an entry in ClinVar:

NM_001042492.3(NF1):c.7970+6T>C

Gene: NF1 (neurofibromin 1; plus strand). Cytogenetic location: 17q11.2.
Variant type: single nucleotide variant.
Coding change: c.7970+6T>C on transcript NM_001042492.3 (MANE Select); 6 bases into the intron after coding-DNA position 7970, T replaced by C.
Molecular consequence: intron variant.
Genome position (GRCh38, 1-based): chr17:31,357,375, T>C. VCF-style: chr17-31357375-T-C. GRCh37 (hg19) VCF-style: chr17-29684393-T-C.
Other names: c.7907+6T>C (NM_000267.4).
Identifiers: ClinVar variation 945724 (VCV000945724.8), dbSNP rs1555536775, ClinGen allele CA1139665302.

ClinVar aggregate classification (germline): Pathogenic/Likely pathogenic. Review status: criteria provided, multiple submitters, no conflicts (2 of 4 stars). 3 submissions from 3 submitters: Pathogenic (1); Likely pathogenic (2). Last evaluated 2024-12-28.

Conditions:
Hereditary cancer-predisposing syndrome. Also called: Neoplastic Syndromes, Hereditary; Hereditary neoplastic syndrome; Hereditary Cancer Syndrome; Tumor predisposition. Identifiers: Orphanet 140162, MedGen C0027672, MeSH D009386, MONDO:0015356.
Cardiovascular phenotype. Identifiers: MedGen CN230736.
Neurofibromatosis, type 1 (NF1). Also called: Peripheral type neurofibromatosis; Neurofibromatosis, type I; VON RECKLINGHAUSEN DISEASE; NEUROFIBROMATOSIS, TYPE I, SOMATIC. Identifiers: Orphanet 636, MedGen C0027831, MONDO:0018975, OMIM 162200. Disease mechanism: loss of function.

Submissions (3):

Ambry Genetics
Classification: Likely pathogenic for Cardiovascular phenotype; Hereditary cancer-predisposing syndrome. Last evaluated: 2024-12-28. Review status: criteria provided, single submitter. Criteria: Ambry Variant Classification Scheme 2023. Collection method: clinical testing. Allele origin: germline.
Comment: The c.7907+6T>C intronic variant results from a T to C substitution 6 nucleotides after coding exon 53 in the NF1 gene. This variant was reported in individual(s) with features consistent with neurofibromatosis type 1; in at least one individual, it was determined to be de novo (Pros E et al. Hum Mutat, 2008 Sep;29:E173-93; external communication; Ambry internal data). This nucleotide position is highly conserved in available vertebrate species. In silico splice site analysis for this alteration is inconclusive. RNA studies have demonstrated that this alteration results in skipping of exon 53 (Pros E et al. Hum Mutat, 2008 Sep;29:E173-93; Ambry internal data). This variant is considered to be rare based on population cohorts in the Genome Aggregation Database (gnomAD). Based on the majority of available evidence to date, this variant is likely to be pathogenic.

NHS Central & South Genomic Laboratory Hub
Classification: Likely pathogenic for Neurofibromatosis type 1. Last evaluated: 2024-11-11. Review status: criteria provided, single submitter. Criteria: ACMG Guidelines, 2015. Collection method: clinical testing. Allele origin: germline. Affected: yes.

Labcorp Genetics (formerly Invitae), Labcorp
Classification: Pathogenic for Neurofibromatosis, type 1. Last evaluated: 2024-06-24. Review status: criteria provided, single submitter. Criteria: Invitae Variant Classification Sherloc (09022015). Collection method: clinical testing. Allele origin: germline.
Comment: This sequence change falls in intron 53 of the NF1 gene. It does not directly change the encoded amino acid sequence of the NF1 protein. It affects a nucleotide within the consensus splice site. This variant is not present in population databases (gnomAD no frequency). This variant has been observed in individual(s) with clinical features of neurofibromatosis type 1 (PMID: 18546366; Invitae). In at least one individual the variant was observed to be de novo. ClinVar contains an entry for this variant (Variation ID: 945724). Variants that disrupt the consensus splice site are a relatively common cause of aberrant splicing (PMID: 17576681, 9536098). Algorithms developed to predict the effect of sequence changes on RNA splicing suggest that this variant may disrupt the consensus splice site. For these reasons, this variant has been classified as Pathogenic.

Literature cited by the submitters: PubMed 18546366 (cited by Ambry Genetics and Labcorp Genetics (formerly Invitae), Labcorp); PubMed 17576681 (cited by Labcorp Genetics (formerly Invitae), Labcorp); PubMed 9536098 (cited by Labcorp Genetics (formerly Invitae), Labcorp).